The following is an entry in ClinVar:

ClinVar aggregate classification (germline): Conflicting classifications of pathogenicity. Review status: criteria provided, conflicting classifications (1 of 4 stars). 3 submissions from 3 submitters: Uncertain significance (2); Likely benign (1). Last evaluated 2026-08-31.

Conditions:
MYO15A-related disorder. Also called: MYO15A-related condition.

Allele frequency attached by ClinVar (database versions not stated): gnomAD 0.00002; TOPMed 0.00003; gnomAD exomes 0.00004 and 0.00007; ExAC 0.00009.
gnomAD v4.1: 59 of 1,614,060 alleles (0.0037%); highest among the groups gnomAD compares: East Asian, 0.13%; no homozygotes.

Submissions (3):

PreventionGenetics, part of Exact Sciences
Classification: Uncertain significance for MYO15A-related condition. Last evaluated: 2026-08-31. Review status: criteria provided, single submitter. Criteria: ACMG Guidelines, 2015. Collection method: clinical testing. Allele origin: germline.
Comment: The MYO15A c.9023C>T variant is predicted to result in the amino acid substitution p.Pro3008Leu. To our knowledge, this variant has not been reported in the literature. This variant is reported in 0.097% of alleles in individuals of East Asian descent in gnomAD. Although we suspect that this variant may be benign, at this time, the clinical significance of this variant is uncertain due to the absence of conclusive functional and genetic evidence.

Labcorp Genetics (formerly Invitae), Labcorp
Classification: Likely benign. Last evaluated: 2024-03-25. Review status: criteria provided, single submitter. Criteria: Invitae Variant Classification Sherloc (09022015). Collection method: clinical testing. Allele origin: germline.

GeneDx
Classification: Uncertain significance. Last evaluated: 2021-12-29. Review status: criteria provided, single submitter. Criteria: GeneDx Variant Classification Process June 2021. Collection method: clinical testing. Allele origin: germline. Affected: yes.
Comment: In silico analysis supports that this missense variant does not alter protein structure/function; Has not been previously published as pathogenic or benign to our knowledge

NM_016239.4(MYO15A):c.9023C>T (p.Pro3008Leu)

Gene: MYO15A (myosin XVA; plus strand). Cytogenetic location: 17p11.2.
Variant type: single nucleotide variant.
Coding change: c.9023C>T on transcript NM_016239.4 (MANE Select); coding-DNA position 9023, C replaced by T.
Protein change: p.Pro3008Leu; replaces proline 3008 with leucine.
Molecular consequence: missense variant.
Genome position (GRCh38, 1-based): chr17:18,158,578, C>T. VCF-style: chr17-18158578-C-T. GRCh37 (hg19) VCF-style: chr17-18061892-C-T.
Other names: short protein forms P3008L.
Identifiers: ClinVar variation 1331261 (VCV001331261.12), dbSNP rs765934820, ClinGen allele CA8425346.